The following is an entry in ClinVar:

NM_006231.4(POLE):c.3778G>C (p.Ala1260Pro)

Gene: POLE (DNA polymerase epsilon, catalytic subunit; minus strand). Cytogenetic location: 12q24.33.
Variant type: single nucleotide variant.
Coding change: c.3778G>C on transcript NM_006231.4 (MANE Select); coding-DNA position 3778, G replaced by C.
Protein change: p.Ala1260Pro; replaces alanine 1260 with proline.
Molecular consequence: missense variant.
Genome position (GRCh38, 1-based): chr12:132,649,694, C>G on the plus strand (G>C on the coding strand, the complement: POLE is on the minus strand). VCF-style: chr12-132649694-C-G. GRCh37 (hg19) VCF-style: chr12-133226280-C-G.
Other names: c.3778G>C (NM_006231.2); short protein forms A1260P.
Identifiers: ClinVar variation 1422624 (VCV001422624.8), dbSNP rs143858927, ClinGen allele CA387385963.

ClinVar aggregate classification (germline): Conflicting classifications of pathogenicity. Review status: criteria provided, conflicting classifications (1 of 4 stars). 2 submissions from 2 submitters: Uncertain significance (1); Likely benign (1). Last evaluated 2025-11-23.

Conditions:
Hereditary cancer-predisposing syndrome. Also called: Neoplastic Syndromes, Hereditary; Hereditary Cancer Syndrome; Hereditary neoplastic syndrome; Tumor predisposition. Identifiers: Orphanet 140162, MedGen C0027672, MeSH D009386, MONDO:0015356.

gnomAD v4.1: 13 of 1,613,998 alleles (0.00081%); highest among the groups gnomAD compares: Non-Finnish European, 0.0011%; no homozygotes.

Submissions (2):

Labcorp Genetics (formerly Invitae), Labcorp
Classification: Uncertain significance. Last evaluated: 2025-11-23. Review status: criteria provided, single submitter. Criteria: Invitae Variant Classification Sherloc (09022015). Collection method: clinical testing. Allele origin: germline.
Comment: This sequence change replaces alanine, which is neutral and non-polar, with proline, which is neutral and non-polar, at codon 1260 of the POLE protein (p.Ala1260Pro). This variant is not present in population databases (gnomAD no frequency). This variant has not been reported in the literature in individuals affected with POLE-related conditions. ClinVar contains an entry for this variant (Variation ID: 1422624). Invitae Evidence Modeling of protein sequence and biophysical properties (such as structural, functional, and spatial information, amino acid conservation, physicochemical variation, residue mobility, and thermodynamic stability) indicates that this missense variant is not expected to disrupt POLE protein function with a negative predictive value of 80%. In summary, the available evidence is currently insufficient to determine the role of this variant in disease. Therefore, it has been classified as a Variant of Uncertain Significance.

Ambry Genetics
Classification: Likely benign for Hereditary cancer-predisposing syndrome. Last evaluated: 2025-04-23. Review status: criteria provided, single submitter. Criteria: Ambry Variant Classification Scheme 2023. Collection method: clinical testing. Allele origin: germline.